The following is an entry in ClinVar:

ClinVar aggregate classification (germline): Likely benign. Review status: criteria provided, single submitter (1 of 4 stars). 2 submissions from 2 submitters: Likely benign (1). 1 of the submissions does not count toward it. Last evaluated 2026-07-01.

Conditions:
CUX1-related disorder. Also called: CUX1-related condition.

Allele frequency attached by ClinVar (database versions not stated): 1000 Genomes Project 30x 0.00016; 1000 Genomes Project 0.00020; gnomAD 0.00095; TOPMed 0.00101; ExAC 0.00134; gnomAD exomes 0.00164; ESP Exome Variant Server 0.00185.
gnomAD v4.1: 2,507 of 1,614,162 alleles (0.16%); highest among the groups gnomAD compares: Non-Finnish European, 0.2%; 4 homozygotes.

Submissions (2):

CeGaT Center for Human Genetics Tuebingen
Classification: Likely benign. Last evaluated: 2026-07-01. Review status: criteria provided, single submitter. Criteria: CeGaT Center For Human Genetics Tuebingen Variant Classification Criteria Version 2. Collection method: clinical testing. Allele origin: germline. Affected: yes. Observed: 8 variant alleles.
Comment: CUX1: BS1

PreventionGenetics, part of Exact Sciences
Classification: Likely benign for CUX1-related condition. Last evaluated: 2020-06-08. Review status: no assertion criteria provided. Collection method: clinical testing. Allele origin: germline. Not counted in ClinVar's aggregate classification.
Comment: This variant is classified as likely benign based on ACMG/AMP sequence variant interpretation guidelines (Richards et al. 2015 PMID: 25741868, with internal and published modifications).

NM_181552.4(CUX1):c.1405A>G (p.Ser469Gly)

Gene: CUX1 (cut like homeobox 1; plus strand). Cytogenetic location: 7q22.1.
Variant type: single nucleotide variant.
Coding change: c.1405A>G on transcript NM_181552.4 (MANE Select); coding-DNA position 1405, A replaced by G.
Protein change: p.Ser469Gly; replaces serine 469 with glycine.
Molecular consequence: missense variant. On other transcripts: intron variant (5).
Genome position (GRCh38, 1-based): chr7:102,196,816, A>G. VCF-style: chr7-102196816-A-G. GRCh37 (hg19) VCF-style: chr7-101840096-A-G.
Other names: c.1438A>G, p.Ser480Gly (NM_001202543.2); c.1255+1213A>G (NM_001913.5); c.1249+1213A>G (NM_181500.4); c.1117+1213A>G (NM_001202545.3); c.1207+1213A>G (NM_001202544.3); c.1138+1213A>G (NM_001202546.3); c.1438A>G (NM_001202543.1); short protein forms S469G, S480G.
Identifiers: ClinVar variation 2657862 (VCV002657862.25), dbSNP rs147066011, ClinGen allele CA4410849.